The following is an entry in ClinVar:

ClinVar aggregate classification (germline): Uncertain significance (1 of 4 stars; one submission).

Conditions:
Ataxia-telangiectasia syndrome (AT). Also called: Cerebello-oculocutaneous telangiectasia; Immunodeficiency with ataxia telangiectasia; Ataxia-telangiectasia, complementation group D; AT, COMPLEMENTATION GROUP C; Ataxia-telangiectasia, complementation group E; LOUIS-BAR SYNDROME. Identifiers: Orphanet 100, MedGen C0004135, MONDO:0008840, OMIM 208900.

Submission:

Labcorp Genetics (formerly Invitae), Labcorp
Classification: Uncertain significance for Ataxia-telangiectasia syndrome. Last evaluated: 2022-09-06. Review status: criteria provided, single submitter. Criteria: Invitae Variant Classification Sherloc (09022015). Collection method: clinical testing. Allele origin: germline.
Comment: This variant has not been reported in the literature in individuals affected with ATM-related conditions. This variant is not present in population databases (gnomAD no frequency). This variant, c.3698_3700del, results in the deletion of 1 amino acid(s) of the ATM protein (p.Ser1233del), but otherwise preserves the integrity of the reading frame. ClinVar contains an entry for this variant (Variation ID: 453483). In summary, the available evidence is currently insufficient to determine the role of this variant in disease. Therefore, it has been classified as a Variant of Uncertain Significance. Experimental studies and prediction algorithms are not available or were not evaluated, and the functional significance of this variant is currently unknown.

NM_000051.4(ATM):c.3695CTT[1] (p.Ser1233del)

Gene: ATM (ATM serine/threonine kinase; plus strand). Cytogenetic location: 11q22.3.
Variant type: Microsatellite.
Coding change: c.3695CTT[1] on transcript NM_000051.4 (MANE Select); one copy of the 3-base unit CTT starting at c.3695; the reference has two copies in a row; one copy, 3 bases deleted.
Protein change: p.Ser1233del; deletes serine 1233.
Molecular consequence: inframe deletion.
Genome position (GRCh38, 1-based): chr11:108,282,831-108,282,833, CTT deleted; deleting any 3 consecutive bases within chr11:108,282,827-108,282,833 gives the same sequence; the position shown is the placement nearest the transcript's 3' end. VCF-style (leftmost placement, unchanged base first): chr11-108282826-ATCT-A. GRCh37 (hg19) VCF-style: chr11-108153553-ATCT-A.
Other names: c.3698_3700delCTT (NM_000051.3); c.3695CTT[1], p.Ser1233del (NM_001351834.2); short protein forms S1233del.
Identifiers: ClinVar variation 453483 (VCV000453483.8), dbSNP rs1555092499, ClinGen allele CA658656237.